The following is an entry in ClinVar:

ClinVar aggregate classification (germline): Benign. Review status: criteria provided, multiple submitters, no conflicts (2 of 4 stars). 3 submissions from 3 submitters: Benign (3). Last evaluated 2021-07-14.

Conditions:
Muscular dystrophy-dystroglycanopathy (congenital with brain and eye anomalies), type a, 11 (MDDGA11). Also called: WALKER-WARBURG SYNDROME OR MUSCLE-EYE-BRAIN DISEASE, B3GALNT2-RELATED; Congenital muscular dystrophy-dystroglycanopathy with brain and eye anomalies, type A11; Muscular dystrophy-dystroglycanopathy (congenital with brain and eye anomalies, type A, 11. Identifiers: Orphanet 588, Orphanet 899, MedGen C3554638, MONDO:0014071, OMIM 615181.

Submissions (3):

Genome-Nilou Lab
Classification: Benign for Muscular dystrophy-dystroglycanopathy (congenital with brain and eye anomalies), type a, 11. Last evaluated: 2021-07-14. Review status: criteria provided, single submitter. Criteria: ACMG Guidelines, 2015. Collection method: clinical testing. Allele origin: germline. Affected: no.

GeneDx
Classification: Benign. Last evaluated: 2018-06-14. Review status: criteria provided, single submitter. Criteria: GeneDx Variant Classification (06012015). Collection method: clinical testing. Allele origin: germline. Affected: yes.
Comment: This variant is considered likely benign or benign based on one or more of the following criteria: it is a conservative change, it occurs at a poorly conserved position in the protein, it is predicted to be benign by multiple in silico algorithms, and/or has population frequency not consistent with disease.

Breakthrough Genomics
Classification: Benign. Review status: criteria provided, single submitter. Criteria: ACMG Guidelines, 2015. Collection method: not provided. Allele origin: germline. Inheritance: Autosomal recessive inheritance. Affected: yes.

NM_152490.5(B3GALNT2):c.-138=

Gene: B3GALNT2 (beta-1,3-N-acetylgalactosaminyltransferase 2; minus strand). Cytogenetic location: 1q42.3.
Variant type: Variation.
Coding change: c.-138= on transcript NM_152490.5 (MANE Select); 138 bases upstream of the start codon, no change from the reference sequence.
Molecular consequence: no sequence alteration.
Genome position: GRCh38 VCF-style: chr1-235504390-G-G. GRCh37 (hg19) VCF-style: chr1-235667690-A-G.
Other names: c.-138= (NM_001277155.3).
Identifiers: ClinVar variation 678107 (VCV000678107.5).